The following is an entry in ClinVar:

ClinVar aggregate classification (germline): Uncertain significance (1 of 4 stars; one submission).

Conditions:
Hereditary cancer-predisposing syndrome. Also called: Neoplastic Syndromes, Hereditary; Tumor predisposition; Hereditary neoplastic syndrome; Hereditary Cancer Syndrome. Identifiers: Orphanet 140162, MedGen C0027672, MeSH D009386, MONDO:0015356.

Allele frequency attached by ClinVar (database versions not stated): gnomAD exomes below 0.00001.
gnomAD v4.1: 1 of 1,614,120 alleles (0.000062%); highest among the groups gnomAD compares: South Asian, 0.0011%; no homozygotes.

Submission:

Ambry Genetics
Classification: Uncertain significance for Hereditary cancer-predisposing syndrome. Last evaluated: 2023-12-22. Review status: criteria provided, single submitter. Criteria: Ambry Variant Classification Scheme 2023. Collection method: clinical testing. Allele origin: germline.
Comment: The p.S954C variant (also known as c.2861C>G), located in coding exon 21 of the KIT gene, results from a C to G substitution at nucleotide position 2861. The serine at codon 954 is replaced by cysteine, an amino acid with dissimilar properties. This amino acid position is conserved. In addition, this alteration is predicted to be tolerated by in silico analysis. Since supporting evidence is limited at this time, the clinical significance of this alteration remains unclear.

NM_000222.3(KIT):c.2861C>G (p.Ser954Cys)

Gene: KIT (KIT proto-oncogene, receptor tyrosine kinase; plus strand). Cytogenetic location: 4q12.
Variant type: single nucleotide variant.
Coding change: c.2861C>G on transcript NM_000222.3 (MANE Select); coding-DNA position 2861, C replaced by G.
Protein change: p.Ser954Cys; replaces serine 954 with cysteine.
Molecular consequence: missense variant.
Genome position (GRCh38, 1-based): chr4:54,738,487, C>G. VCF-style: chr4-54738487-C-G. GRCh37 (hg19) VCF-style: chr4-55604653-C-G.
Other names: c.2849C>G, p.Ser950Cys (NM_001093772.2, NM_001385292.1); c.2864C>G, p.Ser955Cys (NM_001385284.1); c.2858C>G, p.Ser953Cys (NM_001385285.1); c.2846C>G, p.Ser949Cys (NM_001385286.1); c.2852C>G, p.Ser951Cys (NM_001385288.1); c.2861C>G, p.Ser954Cys (NM_001385290.1); short protein forms S949C, S950C, S951C, S953C, S954C, S955C.
Identifiers: ClinVar variation 3230677 (VCV003230677.1), dbSNP rs2109818793, ClinGen allele CA356916214.